The following continues an entry in ClinVar:

NM_000059.4(BRCA2):c.5616_5620del (p.Lys1872fs)

Gene: BRCA2. ClinVar aggregate classification (germline): Pathogenic. Pathogenic (1).

Submissions 19 to 31 of 31:

Women's Health and Genetics/Laboratory Corporation of America, LabCorp
Classification: Pathogenic for Hereditary breast ovarian cancer syndrome. Last evaluated: 2021-06-17. Review status: criteria provided, single submitter. Criteria: LabCorp Variant Classification Summary - May 2015. Collection method: clinical testing. Allele origin: germline. Not counted in ClinVar's aggregate classification.
Comment: Variant summary: BRCA2 c.5616_5620delAGTAA (p.Lys1872AsnfsX2) results in a premature termination codon, predicted to cause a truncation of the encoded protein or absence of the protein due to nonsense mediated decay, which are commonly known mechanisms for disease. Truncations downstream of this position have been classified as pathogenic by our laboratory. The variant allele was found at a frequency of 4e-06 in 247384 control chromosomes. c.5616_5620delAGTAA has been reported in the literature in individuals affected with Hereditary Breast And Ovarian Cancer Syndrome (Borg_2010, Caux-Moncoutier_2011, Hernandez_2014, Pal_2004, Pal_2016, etc.). These data indicate that the variant is likely to be associated with disease. To our knowledge, no experimental evidence demonstrating an impact on protein function has been reported. 13 clinical diagnostic laboratories have submitted clinical-significance assessments for this variant to ClinVar after 2014 without evidence for independent evaluation. All laboratories classified the variant as pathogenic/likely pathogenic. Based on the evidence outlined above, the variant was classified as pathogenic.

Equipe Genetique des Anomalies du Developpement, Université de Bourgogne
Classification: Likely pathogenic for Breast-ovarian cancer, familial, susceptibility to, 2. Last evaluated: 2018-11-21. Review status: criteria provided, single submitter. Criteria: ACMG Guidelines, 2015. Collection method: clinical testing. Allele origin: unknown. Not counted in ClinVar's aggregate classification.

HudsonAlpha Institute for Biotechnology
Classification: Pathogenic for Breast-ovarian cancer, familial, susceptibility to, 2. Last evaluated: 2018-09-11. Review status: criteria provided, single submitter. Criteria: ACMG Guidelines, 2015. Collection method: research. Allele origin: unknown. Observed: 1 variant allele. Study: AGHI_GT. Not counted in ClinVar's aggregate classification.

Mendelics
Classification: Pathogenic for Hereditary breast and ovarian cancer syndrome. Last evaluated: 2018-07-02. Review status: criteria provided, single submitter. Criteria: Mendelics Assertion Criteria 2017. Collection method: clinical testing. Allele origin: unknown. Not counted in ClinVar's aggregate classification.

Consortium of Investigators of Modifiers of BRCA1/2 (CIMBA), c/o University of Cambridge
Classification: Pathogenic for Breast-ovarian cancer, familial, susceptibility to, 2. Last evaluated: 2015-10-02. Review status: criteria provided, single submitter. Criteria: CIMBA Mutation Classification guidelines May 2016. Collection method: clinical testing. Allele origin: germline. Not counted in ClinVar's aggregate classification.

Genesis Genomics
Classification: Pathogenic for Breast-ovarian cancer, familial, susceptibility to, 2. Review status: criteria provided, single submitter. Criteria: ACMG Guidelines, 2015. Collection method: clinical testing. Allele origin: germline. Affected: yes and no. Observed: 3 variant alleles. Clinical features observed: Epithelial ovarian cancer. Not counted in ClinVar's aggregate classification.

PreventionGenetics, part of Exact Sciences
Classification: Pathogenic for BRCA2-related condition. Last evaluated: 2024-04-04. Review status: no assertion criteria provided. Collection method: clinical testing. Allele origin: germline. Not counted in ClinVar's aggregate classification.
Comment: The BRCA2 c.5616_5620del5 variant is predicted to result in a frameshift and premature protein termination (p.Lys1872Asnfs*2). This variant has been reported to be causative for hereditary breast and ovarian cancer in several publications (Pal et al. 2004. PubMedID: 15533909, reported as “5844del5”; Susswein et al. 2016. PubMed ID: 26681312, Table S1). In a large study, this variant accounted for 4% of BRCA2 mutations in African Americans (Rebbeck et al. 2018. PubMed ID: 29446198). It is documented in the gnomAD general population database in just 1 of ~247,000 alleles, and it is listed as pathogenic by the great majority of laboratories in the ClinVar database. Frameshift variants in BRCA2 are expected to be pathogenic. This variant is interpreted as pathogenic.

Mayo Clinic Laboratories, Mayo Clinic
Classification: Pathogenic. Last evaluated: 2017-03-09. Review status: no assertion criteria provided. Collection method: clinical testing. Allele origin: unknown. Not counted in ClinVar's aggregate classification.

Counsyl
Classification: Pathogenic for Breast-ovarian cancer, familial, susceptibility to, 2. Last evaluated: 2017-02-08. Review status: no assertion criteria provided. Collection method: clinical testing. Allele origin: unknown. Not counted in ClinVar's aggregate classification.

Research Molecular Genetics Laboratory, Women's College Hospital, University of Toronto
Classification: Pathogenic for Hereditary breast ovarian cancer syndrome. Last evaluated: 2014-01-31. Review status: no assertion criteria provided. Collection method: research. Allele origin: germline. Affected: yes. Study: The Canadian Open Genetics Repository (COGR). Not counted in ClinVar's aggregate classification.

Sharing Clinical Reports Project (SCRP)
Classification: Pathogenic for Breast-ovarian cancer, familial 2. Last evaluated: 2012-05-01. Review status: no assertion criteria provided. Collection method: clinical testing. Allele origin: germline. Not counted in ClinVar's aggregate classification.

Breast Cancer Information Core (BIC) (BRCA2)
Classification: Pathogenic for Breast-ovarian cancer, familial 2. Last evaluated: 2002-05-29. Review status: no assertion criteria provided. Collection method: clinical testing. Allele origin: germline. Affected: yes. Observed: 7 variant alleles. Not counted in ClinVar's aggregate classification.

Department of Pathology and Laboratory Medicine, Sinai Health System
Classification: Uncertain significance. Review status: no assertion criteria provided. Collection method: clinical testing. Allele origin: unknown. Affected: yes. Observed: 1 variant allele. Study: The Canadian Open Genetics Repository (COGR). Not counted in ClinVar's aggregate classification.

Literature cited by the submitters: PubMed 28008555 (cited by 7 submitters); PubMed 26287763 (cited by Dasa and Women's Health and Genetics/Laboratory Corporation of America, LabCorp); PubMed 26681312 (cited by 6 submitters); PubMed 27831900 (cited by 4 submitters); PubMed 20104584 (cited by 7 submitters); PubMed 16199546 (cited by Dasa); PubMed 17063271 (cited by Dasa); PubMed 25632310 (cited by Dasa); PubMed 15533909 (cited by 9 submitters); PubMed 24742220 (cited by 8 submitters); PubMed 25428789 (cited by 7 submitters); PubMed 28724667 (cited by 3 submitters); PubMed 29240602 (cited by Ambry Genetics and All of Us Research Program, National Institutes of Health); PubMed 30128899 (cited by 4 submitters); PubMed 30257646 (cited by 3 submitters); PubMed 30541753 (cited by Ambry Genetics); PubMed 31325073 (cited by Ambry Genetics); PubMed 32318955 (cited by 3 submitters); PubMed 32866190 (cited by Ambry Genetics and Quest Diagnostics Nichols Institute San Juan Capistrano); PubMed 16234499 (cited by Institute for Genomic Medicine (IGM) Clinical Laboratory, Nationwide Children's Hospital); PubMed 29446198 (cited by 3 submitters); PubMed 8988179 (cited by All of Us Research Program, National Institutes of Health); PubMed 11897832 (cited by All of Us Research Program, National Institutes of Health); PubMed 28528518 (cited by 4 submitters); PubMed 31415627 (cited by All of Us Research Program, National Institutes of Health); PubMed 35734436 (cited by All of Us Research Program, National Institutes of Health); PubMed 36329109 (cited by Quest Diagnostics Nichols Institute San Juan Capistrano and Genetics Program, Instituto Nacional de Cancer); PubMed 26295337 (cited by Quest Diagnostics Nichols Institute San Juan Capistrano); PubMed 21120943 (cited by Women's Health and Genetics/Laboratory Corporation of America, LabCorp).